The following is an entry in ClinVar:

NM_000215.4(JAK3):c.1503G>T (p.Gln501His)

Gene: JAK3 (Janus kinase 3; minus strand). Cytogenetic location: 19p13.11.
Variant type: single nucleotide variant.
Coding change: c.1503G>T on transcript NM_000215.4 (MANE Select); coding-DNA position 1503, G replaced by T.
Protein change: p.Gln501His; replaces glutamine 501 with histidine.
Molecular consequence: missense variant.
Genome position (GRCh38, 1-based): chr19:17,838,329, C>A on the plus strand (G>T on the coding strand, the complement: JAK3 is on the minus strand). VCF-style: chr19-17838329-C-A. GRCh37 (hg19) VCF-style: chr19-17949138-C-A.
Other names: short protein forms Q501H.
Identifiers: ClinVar variation 376114 (VCV000376114.11), dbSNP rs201283129, ClinGen allele CA9301872.

ClinVar aggregate classification (germline): Uncertain significance. Review status: criteria provided, multiple submitters, no conflicts (2 of 4 stars). 2 submissions from 2 submitters: Uncertain significance (2). Last evaluated 2024-02-24.

Conditions:
T-B+ severe combined immunodeficiency due to JAK3 deficiency. Also called: SCID, T CELL-NEGATIVE, B CELL-POSITIVE, NK CELL-NEGATIVE; SCID, autosomal recessive, T-negative/B-positive type. Identifiers: Orphanet 35078, MedGen C1833275, MONDO:0010938, OMIM 600802.

Allele frequency attached by ClinVar (database versions not stated): ExAC 0.00002; gnomAD 0.00002 and 0.00005; gnomAD exomes 0.00002 and 0.00007; TOPMed 0.00004.
gnomAD v4.1: 113 of 1,613,936 alleles (0.007%); highest among the groups gnomAD compares: East Asian, 0.25%; no homozygotes.

Submissions (2):

Labcorp Genetics (formerly Invitae), Labcorp
Classification: Uncertain significance for T-B+ severe combined immunodeficiency due to JAK3 deficiency. Last evaluated: 2024-02-24. Review status: criteria provided, single submitter. Criteria: Invitae Variant Classification Sherloc (09022015). Collection method: clinical testing. Allele origin: germline.
Comment: This sequence change replaces glutamine, which is neutral and polar, with histidine, which is basic and polar, at codon 501 of the JAK3 protein (p.Gln501His). This variant is present in population databases (rs201283129, gnomAD 0.02%). This missense change has been observed in individual(s) with clinical features of common variable immunodeficiency disease (PMID: 35232000). ClinVar contains an entry for this variant (Variation ID: 376114). Advanced modeling of protein sequence and biophysical properties (such as structural, functional, and spatial information, amino acid conservation, physicochemical variation, residue mobility, and thermodynamic stability) performed at Invitae indicates that this missense variant is not expected to disrupt JAK3 protein function with a negative predictive value of 95%. Experimental studies have shown that this missense change affects JAK3 function (PMID: 18397343). In summary, the available evidence is currently insufficient to determine the role of this variant in disease. Therefore, it has been classified as a Variant of Uncertain Significance.

Women's Health and Genetics/Laboratory Corporation of America, LabCorp
Classification: Uncertain significance. Last evaluated: 2020-04-06. Review status: criteria provided, single submitter. Criteria: LabCorp Variant Classification Summary - May 2015. Collection method: clinical testing. Allele origin: germline.
Comment: Variant summary: JAK3 c.1503G>T (p.Gln501His) results in a non-conservative amino acid change in the encoded protein sequence. Four of five in-silico tools predict a benign effect of the variant on protein function. The variant allele was found at a frequency of 2e-05 in 251496 control chromosomes. The available data on variant occurrences in the general population are insufficient to allow any conclusion about variant significance. To our knowledge, no occurrence of c.1503G>T in individuals affected with Severe Combined Immunodeficiency Syndrome has been reported although it has been reported in patients with AML (example, Sato_2008, Yamashita_2010). Two publications report experimental evidence evaluating an impact on protein function, however, none of these studies allows convincing conclusions about the variant effect in relation to the established mechanism of SCID (Sato_2008, Yamashita_2010). No clinical diagnostic laboratories have submitted clinical-significance assessments for this variant in germline state to ClinVar after 2014. Based on the evidence outlined above, the variant was classified as uncertain significance.

Literature cited by the submitters: PubMed 35232000 (cited by Labcorp Genetics (formerly Invitae), Labcorp); PubMed 18397343 (cited by Labcorp Genetics (formerly Invitae), Labcorp and Women's Health and Genetics/Laboratory Corporation of America, LabCorp); PubMed 20400977 (cited by Women's Health and Genetics/Laboratory Corporation of America, LabCorp).